The following is an entry in ClinVar:

NC_000001.10:g.(?_5950908)_(5951108_?)del

Gene: NPHP4 (nephrocystin 4; minus strand). Cytogenetic location: 1p36.31.
Variant type: Deletion.
Identifiers: ClinVar variation 2426064 (VCV002426064.4).

ClinVar aggregate classification (germline): Pathogenic (1 of 4 stars; one submission).

Conditions:
Nephronophthisis. Also called: Juvenile Nephronophthisis. Identifiers: Orphanet 655, MedGen C0687120, MONDO:0019005, HP:0000090.

Submission:

Labcorp Genetics (formerly Invitae), Labcorp
Classification: Pathogenic for Nephronophthisis. Last evaluated: 2022-06-18. Review status: criteria provided, single submitter. Criteria: Invitae Variant Classification Sherloc (09022015). Collection method: clinical testing. Allele origin: germline.
Comment: For these reasons, this variant has been classified as Pathogenic. This variant has not been reported in the literature in individuals affected with NPHP4-related conditions. This variant is a gross deletion of the genomic region encompassing exon(s) 17 of the NPHP4 gene. This deletion is out-of-frame, and is expected to create a premature termination codon and result in an absent or disrupted protein product. Loss-of-function variants in NPHP4 are known to be pathogenic (PMID: 12205563, 23559409).

Literature cited by the submitters: PubMed 12205563; PubMed 23559409.